The following is an entry in ClinVar:

ClinVar aggregate classification (germline): Conflicting classifications of pathogenicity. Review status: criteria provided, conflicting classifications (1 of 4 stars). 3 submissions from 3 submitters: Uncertain significance (2); Likely benign (1). Last evaluated 2025-04-11.

Conditions:
Tietz syndrome (TADS). Also called: HYPOPIGMENTATION/DEAFNESS OF TIETZ; ALBINISM-DEAFNESS OF TIETZ; TIETZ ALBINISM-DEAFNESS SYNDROME. Identifiers: Orphanet 42665, MedGen C0391816, MONDO:0007077, OMIM 103500.
Waardenburg syndrome type 2A (WS2A). Also called: WAARDENBURG SYNDROME WITHOUT DYSTOPIA CANTHORUM. Identifiers: Orphanet 3440, MedGen C1860339, MONDO:0008671, OMIM 193510.
Melanoma, cutaneous malignant, susceptibility to, 8. Also called: Cutaneous malignant melanoma 8; MELANOMA AND RENAL CELL CARCINOMA, SUSCEPTIBILITY TO. Identifiers: Orphanet 293822, MedGen C3152204, MONDO:0013759, OMIM 614456.
Coloboma, osteopetrosis, microphthalmia, macrocephaly, albinism, and deafness (COMMAD). Also called: COMMAD syndrome. Identifiers: Orphanet 603494, MedGen C4310625, MONDO:0015014, OMIM 617306.

Allele frequency attached by ClinVar (database versions not stated): gnomAD exomes 0.00001; ExAC 0.00002; gnomAD 0.00003 and 0.00004; ESP Exome Variant Server 0.00008.

Submissions (3):

Labcorp Genetics (formerly Invitae), Labcorp
Classification: Uncertain significance for Melanoma, cutaneous malignant, susceptibility to, 8; Waardenburg syndrome type 2A; Tietz syndrome. Last evaluated: 2025-04-11. Review status: criteria provided, single submitter. Criteria: Invitae Variant Classification Sherloc (09022015). Collection method: clinical testing. Allele origin: germline.
Comment: This sequence change replaces glycine, which is neutral and non-polar, with aspartic acid, which is acidic and polar, at codon 104 of the MITF protein (p.Gly104Asp). This variant is present in population databases (rs149249176, gnomAD 0.004%). This variant has not been reported in the literature in individuals affected with MITF-related conditions. ClinVar contains an entry for this variant (Variation ID: 1203392). An algorithm developed to predict the effect of missense changes on protein structure and function (PolyPhen-2) suggests that this variant is likely to be tolerated. In summary, the available evidence is currently insufficient to determine the role of this variant in disease. Therefore, it has been classified as a Variant of Uncertain Significance.

Fulgent Genetics
Classification: Uncertain significance for Tietz syndrome; Waardenburg syndrome type 2A; Melanoma, cutaneous malignant, susceptibility to, 8; Coloboma, osteopetrosis, microphthalmia, macrocephaly, albinism, and deafness. Last evaluated: 2024-03-07. Review status: criteria provided, single submitter. Criteria: ACMG Guidelines, 2015. Collection method: clinical testing. Allele origin: germline.

GeneDx
Classification: Likely benign. Last evaluated: 2019-04-23. Review status: criteria provided, single submitter. Criteria: GeneDx Variant Classification Process June 2021. Collection method: clinical testing. Allele origin: germline. Affected: yes.

NM_001354604.2(MITF):c.632G>A (p.Gly211Asp)

Gene: MITF (melanocyte inducing transcription factor; plus strand). Cytogenetic location: 3p13.
Variant type: single nucleotide variant.
Coding change: c.632G>A on transcript NM_001354604.2 (MANE Select); coding-DNA position 632, G replaced by A.
Protein change: p.Gly211Asp; replaces glycine 211 with aspartic acid.
Molecular consequence: missense variant.
Genome position (GRCh38, 1-based): chr3:69,939,147, G>A. VCF-style: chr3-69939147-G-A. GRCh37 (hg19) VCF-style: chr3-69988298-G-A.
Other names: c.311G>A, p.Gly104Asp (NM_000248.4, NM_198158.3); c.476G>A, p.Gly159Asp (NM_001184967.2, NM_001354608.2); c.629G>A, p.Gly210Asp (NM_001354605.2, NM_001354606.2, NM_006722.3); c.581G>A, p.Gly194Asp (NM_001354607.2); c.632G>A, p.Gly211Asp (NM_198159.3); c.584G>A, p.Gly195Asp (NM_198177.3); c.143G>A, p.Gly48Asp (NM_198178.3); short protein forms G104D, G159D, G194D, G195D, G210D, G211D, G48D.
Identifiers: ClinVar variation 1203392 (VCV001203392.7), dbSNP rs149249176, ClinGen allele CA2490406.